The following is an entry in ClinVar:

ClinVar aggregate classification (germline): Uncertain significance (1 of 4 stars; one submission).

Conditions:
Multiple congenital anomalies-hypotonia-seizures syndrome 2 (MCAHS2). Also called: EPILEPTIC ENCEPHALOPATHY, EARLY INFANTILE, 20; GLYCOSYLPHOSPHATIDYLINOSITOL BIOSYNTHESIS DEFECT 4. Identifiers: Orphanet 300496, MedGen C3275508, MONDO:0010466, OMIM 300868.

Allele frequency attached by ClinVar (database versions not stated): gnomAD exomes below 0.00001.
gnomAD v4.1: 1 of 1,209,630 alleles (0.000083%); highest among the groups gnomAD compares: Admixed American, 0.0022%; no homozygotes.

Submission:

Labcorp Genetics (formerly Invitae), Labcorp
Classification: Uncertain significance for Multiple congenital anomalies-hypotonia-seizures syndrome 2. Last evaluated: 2022-08-05. Review status: criteria provided, single submitter. Criteria: Invitae Variant Classification Sherloc (09022015). Collection method: clinical testing. Allele origin: germline.
Comment: In summary, the available evidence is currently insufficient to determine the role of this variant in disease. Therefore, it has been classified as a Variant of Uncertain Significance. Algorithms developed to predict the effect of missense changes on protein structure and function are either unavailable or do not agree on the potential impact of this missense change (SIFT: "Deleterious"; PolyPhen-2: "Probably Damaging"; Align-GVGD: "Class C0"). This variant has not been reported in the literature in individuals affected with PIGA-related conditions. This variant is present in population databases (no rsID available, gnomAD 0.004%). This sequence change replaces leucine, which is neutral and non-polar, with methionine, which is neutral and non-polar, at codon 355 of the PIGA protein (p.Leu355Met).

NM_002641.4(PIGA):c.1063T>A (p.Leu355Met)

Gene: PIGA (phosphatidylinositol glycan anchor biosynthesis class A; minus strand). Cytogenetic location: Xp22.2.
Variant type: single nucleotide variant.
Coding change: c.1063T>A on transcript NM_002641.4 (MANE Select); coding-DNA position 1063, T replaced by A.
Protein change: p.Leu355Met; replaces leucine 355 with methionine.
Molecular consequence: missense variant. On other transcripts: non-coding transcript variant (2).
Genome position (GRCh38, 1-based): chrX:15,324,790, A>T on the plus strand (T>A on the coding strand, the complement: PIGA is on the minus strand). VCF-style: chrX-15324790-A-T. GRCh37 (hg19) VCF-style: chrX-15342912-A-T.
Other names: c.361T>A, p.Leu121Met (NM_020473.3); short protein forms L121M, L355M.
Identifiers: ClinVar variation 1715236 (VCV001715236.6), dbSNP rs1422087971, ClinGen allele CA412335561.